The following is an entry in ClinVar:

NM_001372076.1(PAX9):c.285del (p.Gly96fs)

Gene: PAX9 (paired box 9; plus strand). Cytogenetic location: 14q13.3.
Variant type: Deletion.
Coding change: c.285del on transcript NM_001372076.1 (MANE Select); coding-DNA position 285, one base deleted (C; older notation c.285delC).
Protein change: p.Gly96fs; shifts the reading frame from glycine 96.
Molecular consequence: frameshift variant.
Genome position (GRCh38, 1-based): chr14:36,663,177, C deleted; the last of 4 consecutive C bases (chr14:36,663,174-36,663,177); deleting any one gives the same sequence. VCF-style (leftmost placement, unchanged base first): chr14-36663173-AC-A. GRCh37 (hg19) VCF-style: chr14-37132378-AC-A.
Other names: c.285del, p.Gly96fs (NM_006194.4); short protein forms G96fs.
Identifiers: ClinVar variation 2094636 (VCV002094636.4), dbSNP rs2502237653, ClinGen allele CA2580088073.
Genomic context (GRCh38, chr14:36,663,173, plus strand): 5'-GCAAGCCCCGGGTCACTACCCCCACCGTGGTGAAACACATCCGGACCTACAAGCAGAGAG[AC>A]CCCGGCATCTTCGCCTGGGAGATCCGGGACCGCCTGCTGGCGGACGGCGTGTGCGACAAG-3'

ClinVar aggregate classification (germline): Pathogenic (1 of 4 stars; one submission).

Conditions:
Hypodontia. Also called: Partial congenital absence of teeth; TOOTH AGENESIS, FAMILIAL; Tooth agenesis, selective. Identifiers: Orphanet 99798, MedGen C0020608, MONDO:0005486, HP:0000668. Disease mechanism: loss of function.

Submission:

Labcorp Genetics (formerly Invitae), Labcorp
Classification: Pathogenic for Hypodontia. Last evaluated: 2022-02-08. Review status: criteria provided, single submitter. Criteria: Invitae Variant Classification Sherloc (09022015). Collection method: clinical testing. Allele origin: germline.
Comment: For these reasons, this variant has been classified as Pathogenic. This variant has not been reported in the literature in individuals affected with PAX9-related conditions. This variant is not present in population databases (gnomAD no frequency). This sequence change creates a premature translational stop signal (p.Gly96Alafs*25) in the PAX9 gene. It is expected to result in an absent or disrupted protein product. Loss-of-function variants in PAX9 are known to be pathogenic (PMID: 14607846, 16236760, 16479262).

Literature cited by the submitters: PubMed 14607846; PubMed 16236760; PubMed 16479262.